The following is an entry in ClinVar:

NM_002529.4(NTRK1):c.1252-15C>G

Gene: NTRK1 (neurotrophic receptor tyrosine kinase 1; plus strand). Cytogenetic location: 1q23.1.
Variant type: single nucleotide variant.
Coding change: c.1252-15C>G on transcript NM_002529.4 (MANE Select); 15 bases into the intron before coding-DNA position 1252, C replaced by G.
Molecular consequence: intron variant.
Genome position (GRCh38, 1-based): chr1:156,874,891, C>G. VCF-style: chr1-156874891-C-G. GRCh37 (hg19) VCF-style: chr1-156844683-C-G.
Other names: c.1144-15C>G (NM_001007792.1); c.1234-15C>G (NM_001012331.2).
Identifiers: ClinVar variation 292885 (VCV000292885.15), dbSNP rs186649954, ClinGen allele CA1169262.

ClinVar aggregate classification (germline): Conflicting classifications of pathogenicity. Review status: criteria provided, conflicting classifications (1 of 4 stars). 5 submissions from 5 submitters: Uncertain significance (1); Benign (2); Likely benign (2). Last evaluated 2026-02-02.

Conditions:
Hereditary insensitivity to pain with anhidrosis (CIPA). Also called: FAMILIAL DYSAUTONOMIA, TYPE II; NTRK1 Congenital Insensitivity to Pain with Anhidrosis; NEUROPATHY, CONGENITAL SENSORY, WITH ANHIDROSIS; hereditary sensory and autonomic neuropathy type 4; INSENSITIVITY TO PAIN, CONGENITAL, WITH ANHIDROSIS; HSAN Type IV. Identifiers: Orphanet 642, MedGen C0020074, MONDO:0009746, OMIM 256800.

Allele frequency attached by ClinVar (database versions not stated): 1000 Genomes Project 30x 0.00016; 1000 Genomes Project 0.00020; ESP Exome Variant Server 0.00046; gnomAD 0.00046 and 0.00049; TOPMed 0.00046; ExAC 0.00052.
gnomAD v4.1: 601 of 1,592,030 alleles (0.038%); highest among the groups gnomAD compares: Non-Finnish European, 0.007%; no homozygotes.

Submissions (5):

Labcorp Genetics (formerly Invitae), Labcorp
Classification: Benign for Hereditary insensitivity to pain with anhidrosis. Last evaluated: 2026-02-02. Review status: criteria provided, single submitter. Criteria: Invitae Variant Classification Sherloc (09022015). Collection method: clinical testing. Allele origin: germline.

ARUP Laboratories, Molecular Genetics and Genomics, ARUP Laboratories
Classification: Benign for Hereditary insensitivity to pain with anhidrosis. Last evaluated: 2024-12-31. Review status: criteria provided, single submitter. Criteria: ARUP Molecular Germline Variant Investigation Process 2024. Collection method: clinical testing. Allele origin: germline.

Blueprint Genetics
Classification: Likely benign. Last evaluated: 2024-11-22. Review status: criteria provided, single submitter. Criteria: ACMG Guidelines, 2015. Collection method: clinical testing. Allele origin: germline.

Illumina Laboratory Services, Illumina
Classification: Uncertain significance for Hereditary insensitivity to pain with anhidrosis. Last evaluated: 2018-01-12. Review status: criteria provided, single submitter. Criteria: ICSL Variant Classification Criteria 13 December 2019. Collection method: clinical testing. Allele origin: germline.

GeneDx
Classification: Likely benign. Last evaluated: 2017-03-03. Review status: criteria provided, single submitter. Criteria: GeneDx Variant Classification (06012015). Collection method: clinical testing. Allele origin: germline. Affected: yes.
Comment: This variant is considered likely benign or benign based on one or more of the following criteria: it is a conservative change, it occurs at a poorly conserved position in the protein, it is predicted to be benign by multiple in silico algorithms, and/or has population frequency not consistent with disease.